The following is an entry in ClinVar:

NM_014396.4(VPS41):c.1128+1G>A

Gene: VPS41 (VPS41 subunit of HOPS complex; minus strand). Cytogenetic location: 7p14.1.
Variant type: single nucleotide variant.
Coding change: c.1128+1G>A on transcript NM_014396.4 (MANE Select); the canonical splice donor site of the intron after coding-DNA position 1128, G replaced by A.
Molecular consequence: splice donor variant.
Genome position (GRCh38, 1-based): chr7:38,772,521, C>T on the plus strand (G>A on the coding strand, the complement: VPS41 is on the minus strand). VCF-style: chr7-38772521-C-T. GRCh37 (hg19) VCF-style: chr7-38812121-C-T.
Other names: c.1053+1G>A (NM_080631.4).
Identifiers: ClinVar variation 4875294 (VCV004875294.2).
Genomic context (GRCh38, chr7:38,772,521, plus strand): 5'-TATCTTCTCTCTCTATGCTGTAGATGAGTCAATACTTTCAAAGAAGTAAAATCAAGGGTA[C>T]TTCATATTTCTTCTTTTCAAGGAGCCAGTCAATGTGATCATCTTGGTCTCGTTCCTTGGC-3'

ClinVar aggregate classification (germline): Uncertain significance (1 of 4 stars; one submission).

Submission:

CeGaT Center for Human Genetics Tuebingen
Classification: Uncertain significance. Last evaluated: 2026-06-01. Review status: criteria provided, single submitter. Criteria: CeGaT Center For Human Genetics Tuebingen Variant Classification Criteria Version 2. Collection method: clinical testing. Allele origin: germline. Affected: yes. Observed: 1 variant allele.
Comment: VPS41: PM2, PVS1:Moderate